The following is an entry in ClinVar:

ClinVar aggregate classification (germline): Uncertain significance (0 of 4 stars; one submission).

Conditions:
ADCY3-related disorder. Also called: ADCY3-related condition.

Submission:

PreventionGenetics, part of Exact Sciences
Classification: Uncertain significance for ADCY3-related condition. Last evaluated: 2023-10-29. Review status: no assertion criteria provided. Collection method: clinical testing. Allele origin: germline.
Comment: The ADCY3 c.3338G>C variant is predicted to result in the amino acid substitution p.Gly1113Ala. To our knowledge, this variant has not been reported in the literature or in a large population database, indicating this variant is rare. At this time, the clinical significance of this variant is uncertain due to the absence of conclusive functional and genetic evidence.

NM_004036.5(ADCY3):c.3335G>C (p.Gly1112Ala)

Genes: ADCY3 (adenylate cyclase 3; minus strand), CENPO (centromere protein O; plus strand). Cytogenetic location: 2p23.3.
Variant type: single nucleotide variant.
Coding change: c.3335G>C on transcript NM_004036.5 (MANE Select); coding-DNA position 3335, G replaced by C.
Protein change: p.Gly1112Ala; replaces glycine 1112 with alanine.
Molecular consequence: missense variant. On other transcripts: 3 prime UTR variant (4), non-coding transcript variant (3).
Genome position (GRCh38, 1-based): chr2:24,820,032, C>G on the plus strand (G>C on the coding strand, the complement: ADCY3 is on the minus strand). VCF-style: chr2-24820032-C-G. GRCh37 (hg19) VCF-style: chr2-25042901-C-G.
Other names: c.3338G>C, p.Gly1113Ala (NM_001320613.2); c.3401G>C, p.Gly1134Ala (NM_001377128.1); c.3197G>C, p.Gly1066Ala (NM_001377129.1); c.*76G>C (NM_001377130.1); c.2612G>C, p.Gly871Ala (NM_001377131.1); c.3335G>C, p.Gly1112Ala (NM_001377132.1); c.*714C>G (NM_001199803.3, NM_001322101.2, NM_024322.4); short protein forms G1066A, G1112A, G1113A, G1134A, G871A.
Identifiers: ClinVar variation 3348937 (VCV003348937.1).